The following is an entry in ClinVar:

NM_000448.3(RAG1):c.2690G>A (p.Arg897Gln)

Gene: RAG1 (recombination activating 1; plus strand). Cytogenetic location: 11p12.
Variant type: single nucleotide variant.
Coding change: c.2690G>A on transcript NM_000448.3 (MANE Select); coding-DNA position 2690, G replaced by A.
Protein change: p.Arg897Gln; replaces arginine 897 with glutamine.
Molecular consequence: missense variant.
Genome position (GRCh38, 1-based): chr11:36,575,994, G>A. VCF-style: chr11-36575994-G-A. GRCh37 (hg19) VCF-style: chr11-36597544-G-A.
Other names: NM_000448.3(RAG1):c.2690G>A; p.Arg897Gln; c.2690G>A, p.Arg897Gln (NM_001377277.1, NM_001377278.1, NM_001377279.1 and 1 more transcripts); short protein forms R897Q.
Identifiers: ClinVar variation 418451 (VCV000418451.5), dbSNP rs1064793249, ClinGen allele CA16619319.

ClinVar aggregate classification (germline): Uncertain significance. Review status: reviewed by expert panel (3 of 4 stars). 5 submissions from 5 submitters: Uncertain significance (1). 4 of the submissions do not count toward it. Last evaluated 2024-05-28.

Conditions:
Severe combined immunodeficiency, autosomal recessive, T cell-negative, B cell-negative, NK cell-positive. Also called: SCID, T CELL-NEGATIVE, B CELL-NEGATIVE, NK CELL-POSITIVE; SCID, AR, T-cell negative, B-cell negative, NK cell-positive; Severe combined immunodeficiency due to complete RAG1/2 deficiency. Identifiers: Orphanet 331206, MedGen C1832322, MONDO:0011086, OMIM 601457.
Combined immunodeficiency with skin granulomas. Identifiers: Orphanet 157949, MedGen C2673536, MONDO:0009306, OMIM 233650.
Combined immunodeficiency due to partial RAG1 deficiency. Identifiers: Orphanet 231154, MedGen C1835931, MONDO:0012359, OMIM 609889.
Recombinase activating gene 1 deficiency. Identifiers: MedGen CN375631, MONDO:0000572.

Allele frequency attached by ClinVar (database versions not stated): gnomAD exomes below 0.00001.
gnomAD v4.1: 3 of 1,614,176 alleles (0.00019%); highest among the groups gnomAD compares: Non-Finnish European, 0.00017%; no homozygotes.

Submissions (5):

ClinGen Severe Combined Immunodeficiency Variant Curation Expert Panel, ClinGen
Classification: Uncertain significance for Recombinase activating gene 1 deficiency. Last evaluated: 2024-05-28. Review status: reviewed by expert panel. Criteria: ClinGen SCID ACMG Specifications RAG1 V1.0.0. Collection method: curation. Allele origin: germline. Inheritance: Autosomal recessive inheritance.
Comment: NM_000448.3(RAG1):c.2690G>A is a missense variant predicted to cause substitution of Arginine by Glutamine at amino acid 897 (p.Arg897Gln). This missense variant is located in the core domain (amino acids 387-1011) (PM1_Supporting). The filtering allele frequency (the upper threshold of the 95% CI of 2/1112010) of the c.2690G>A variant in RAG1 is 3.000e-7 for European Non-Finnish chromosomes by gnomAD v4, which is lower than the ClinGen SCID VCEP threshold (<0.000102) for PM2_Supporting, and therefore meets this criterion (PM2_Supporting). Patient with SCID (0.5 pt.) and T-B-NK- lymphocyte subset profile (0.5 pt.) : total :1 pt. (PP4) PMID: 32655540. RAG activity was found to be 3.7 ± 0.2 by flow cytometry. (PS3_Moderate) PMID: 32655540. The patient was found to be heterozygous for c.2690G>A, p.R897Q & с.1229G>A, p.R410Q (not classified by SCID VCEP) : PM3 not evaluated. In summary, this variant meets the criteria to be classified as a variant of uncertain significance for autosomal recessive severe combined immunodeficiency due to RAG1 deficiency based on the ACMG/AMP criteria applied, as specified by the ClinGen SCID VCEP: PM1_Supporting, PM2_Supporting,PP4,PS3_Moderate (VCEP specifications version 1).

Women's Health and Genetics/Laboratory Corporation of America, LabCorp
Classification: Uncertain significance. Last evaluated: 2023-02-28. Review status: criteria provided, single submitter. Criteria: LabCorp Variant Classification Summary - May 2015. Collection method: clinical testing. Allele origin: germline. Not counted in ClinVar's aggregate classification.
Comment: Variant summary: RAG1 c.2690G>A (p.Arg897Gln) results in a conservative amino acid change in the encoded protein sequence. Three of four in-silico tools predict a damaging effect of the variant on protein function. The variant allele was found at a frequency of 4e-06 in 250414 control chromosomes (gnomAD). The available data on variant occurrences in the general population are insufficient to allow any conclusion about variant significance. c.2690G>A has been reported in the literature in an individual affected with Severe Combined Immunodeficiency (Sharapova_2020). These data do not allow any conclusion about variant significance. To our knowledge, no experimental evidence demonstrating an impact on protein function has been reported. One clinical diagnostic laboratory has submitted clinical-significance assessments for this variant to ClinVar after 2014 and classified the variant as uncertain significance. Based on the evidence outlined above, the variant was classified as uncertain significance.

Baylor Genetics
Classification: Likely pathogenic for Combined immunodeficiency due to partial RAG1 deficiency. Last evaluated: 2023-02-13. Review status: criteria provided, single submitter. Criteria: ACMG Guidelines, 2015. Collection method: clinical testing. Allele origin: unknown. Not counted in ClinVar's aggregate classification.

Labcorp Genetics (formerly Invitae), Labcorp
Classification: Uncertain significance for Combined immunodeficiency with skin granulomas; Severe combined immunodeficiency, autosomal recessive, T cell-negative, B cell-negative, NK cell-positive. Last evaluated: 2022-07-29. Review status: criteria provided, single submitter. Criteria: Invitae Variant Classification Sherloc (09022015). Collection method: clinical testing. Allele origin: germline. Not counted in ClinVar's aggregate classification.
Comment: This sequence change replaces arginine, which is basic and polar, with glutamine, which is neutral and polar, at codon 897 of the RAG1 protein (p.Arg897Gln). The frequency data for this variant in the population databases is considered unreliable, as metrics indicate poor data quality at this position in the gnomAD database. This missense change has been observed in individual(s) with severe combined immunodeficiency (PMID: 32655540). ClinVar contains an entry for this variant (Variation ID: 418451). Advanced modeling of protein sequence and biophysical properties (such as structural, functional, and spatial information, amino acid conservation, physicochemical variation, residue mobility, and thermodynamic stability) performed at Invitae indicates that this missense variant is expected to disrupt RAG1 protein function. In summary, the available evidence is currently insufficient to determine the role of this variant in disease. Therefore, it has been classified as a Variant of Uncertain Significance.

GeneDx
Classification: Likely pathogenic. Last evaluated: 2014-08-23. Review status: criteria provided, single submitter. Criteria: GeneDx Variant Classification (06012015). Collection method: clinical testing. Allele origin: germline. Affected: yes. Not counted in ClinVar's aggregate classification.
Comment: To our knowledge, the R897Q variant has neither been published as pathogenic, nor reported as a benign polymorphism. This variant was not observed in approximately 6500 individuals of European and African American ancestry in an external variant database, indicating it is not a common benign variant in these populations. R897Q is a semi-conservative amino acid substitution, which may impact secondary protein structure as these residues differ in some properties. This substitution occurs at a position that is conserved across species and in silico analysis predicts this variant is probably damaging to the protein structure/function. In addition, a missense variant in a nearby residue, W896R, has been reported in the Human Gene Mutation Database in association with RAG1-deficiency disorders (Stenson et al., 2009), supporting the functional importance of this region of the protein. Therefore, this is a strong candidate for a pathogenic variant; however, the possibility that it is a benign variant cannot be excluded.

Literature cited by the submitters: PubMed 32655540 (cited by 3 submitters).